The following is an entry in ClinVar:

NM_001923.5(DDB1):c.2660C>T (p.Thr887Met)

Gene: DDB1 (damage specific DNA binding protein 1; minus strand). Cytogenetic location: 11q12.2.
Variant type: single nucleotide variant.
Coding change: c.2660C>T on transcript NM_001923.5 (MANE Select); coding-DNA position 2660, C replaced by T.
Protein change: p.Thr887Met; replaces threonine 887 with methionine.
Molecular consequence: missense variant.
Genome position (GRCh38, 1-based): chr11:61,308,984, G>A on the plus strand (C>T on the coding strand, the complement: DDB1 is on the minus strand). VCF-style: chr11-61308984-G-A. GRCh37 (hg19) VCF-style: chr11-61076456-G-A.
Other names: short protein forms T887M.
Identifiers: ClinVar variation 2641822 (VCV002641822.24), dbSNP rs187902800, ClinGen allele CA6032759.
Genomic context (GRCh38, chr11:61,308,984, plus strand): 5'-CACATTCTGCAGACAATGATGGGCAGCCTAAAGTAAGTACCAAGTGGTCCAGGCCTCACC[G>A]TGCTATTGATGCTGGCTAACAGCTTCCCGTTAAATTCCACCATAGAGTACACGGCCCCTT-3'
Protein context (NP_001914.3, residues 877-897): NGKLLASINS[Thr887Met]VRLYEWTTEK

ClinVar aggregate classification (germline): Uncertain significance (1 of 4 stars; one submission).

Allele frequency attached by ClinVar (database versions not stated): gnomAD exomes 0.00001; TOPMed 0.00001; ExAC 0.00002; gnomAD 0.00003; 1000 Genomes Project 30x 0.00016; 1000 Genomes Project 0.00020.

Submission:

CeGaT Center for Human Genetics Tuebingen
Classification: Uncertain significance. Last evaluated: 2023-01-01. Review status: criteria provided, single submitter. Criteria: CeGaT Center For Human Genetics Tuebingen Variant Classification Criteria Version 2. Collection method: clinical testing. Allele origin: germline. Affected: yes. Observed: 1 variant allele.
Comment: DDB1: PP2